The following is an entry in ClinVar:

ClinVar aggregate classification (germline): Conflicting classifications of pathogenicity. Review status: criteria provided, conflicting classifications (1 of 4 stars). 5 submissions from 5 submitters: Likely pathogenic (2); Uncertain significance (2). 1 of the submissions does not count toward it. Last evaluated 2025-02-21.

Conditions:
TH-deficient dopa-responsive dystonia. Also called: DYT-TH; Tyrosine Hydroxylase-Deficient Dopa-Responsive Dystonia; Segawa syndrome, autosomal recessive. Identifiers: Orphanet 101150, MedGen C2673535, MONDO:0011551, OMIM 605407.

Allele frequency attached by ClinVar (database versions not stated): gnomAD exomes 0.00002.
gnomAD v4.1: 4 of 1,598,792 alleles (0.00025%); highest among the groups gnomAD compares: East Asian, 0.0068%; no homozygotes.

Submissions (5):

Myriad Genetics, Inc.
Classification: Likely pathogenic for TH-deficient dopa-responsive dystonia. Last evaluated: 2025-02-21. Review status: criteria provided, single submitter. Criteria: Myriad Autosomal Dominant, Autosomal Recessive and X-Linked Classification Criteria (2023). Collection method: clinical testing. Allele origin: unknown.
Comment: NM_199292.2(TH):c.880G>C(G294R) is a missense variant classified as likely pathogenic in the context of tyrosine hydroxylase deficiency. G294R has been observed in cases with relevant disease (PMID: 38566307, 27431290, Zhu_2021_(article)). Relevant functional assessments of this variant are not available in the literature. G294R has been observed in referenced population frequency databases. In summary, NM_199292.2(TH):c.880G>C(G294R) is a missense variant that has been observed more frequently in cases with the relevant disease than in healthy populations. Please note: this variant was assessed in the context of healthy population screening.

Institute of Medical Genetics and Applied Genomics, University Hospital Tübingen
Classification: Uncertain significance for TH-deficient dopa-responsive dystonia. Last evaluated: 2023-11-30. Review status: criteria provided, single submitter. Criteria: ACMG Guidelines, 2015. Collection method: clinical testing. Allele origin: germline. Inheritance: Autosomal recessive inheritance. Affected: yes.

Baylor Genetics
Classification: Likely pathogenic for TH-deficient dopa-responsive dystonia. Last evaluated: 2023-09-28. Review status: criteria provided, single submitter. Criteria: ACMG Guidelines, 2015. Collection method: clinical testing. Allele origin: unknown.

GeneDx
Classification: Uncertain significance. Last evaluated: 2020-03-19. Review status: criteria provided, single submitter. Criteria: GeneDx Variant Classification Process June 2021. Collection method: clinical testing. Allele origin: germline. Affected: yes.
Comment: In silico analysis supports that this missense variant has a deleterious effect on protein structure/function; This variant is associated with the following publications: (PMID: 20056467, 20823027, 32959227)

Counsyl
Classification: Uncertain significance for TH-deficient dopa-responsive dystonia. Last evaluated: 2017-03-17. Review status: no assertion criteria provided. Collection method: clinical testing. Allele origin: unknown. Not counted in ClinVar's aggregate classification.

Literature cited by the submitters: PubMed 20823027 (cited by Counsyl); PubMed 20056467 (cited by Counsyl).

NM_000360.4(TH):c.787G>C (p.Gly263Arg)

Gene: TH (tyrosine hydroxylase; minus strand). Cytogenetic location: 11p15.5.
Variant type: single nucleotide variant.
Coding change: c.787G>C on transcript NM_000360.4 (MANE Select); coding-DNA position 787, G replaced by C.
Protein change: p.Gly263Arg; replaces glycine 263 with arginine.
Molecular consequence: missense variant.
Genome position (GRCh38, 1-based): chr11:2,166,941, C>G on the plus strand (G>C on the coding strand, the complement: TH is on the minus strand). VCF-style: chr11-2166941-C-G. GRCh37 (hg19) VCF-style: chr11-2188171-C-G.
Other names: c.880G>C, p.Gly294Arg (NM_199292.3); c.868G>C, p.Gly290Arg (NM_199293.3); short protein forms G294R, G263R, G290R.
Identifiers: ClinVar variation 551155 (VCV000551155.7), dbSNP rs755536257, ClinGen allele CA5818489.
Genomic context (GRCh38, chr11:2,166,941, plus strand): 5'-GCACACCCTTCAGGAAGCGGGAGACGTCCTCCAGCTGGGGGATATTGTCTTCCCGGTAGC[C>G]GCTGAAGCGCTCCAGCAAAGCAAAGGCCTCCAGGTGCTCCCCGCAGGCGTGCGTGGCGTA-3'
Protein context (NP_000351.2, residues 253-273): EAFALLERFS[Gly263Arg]YREDNIPQLE